The following is an entry in ClinVar:

NM_001267550.2(TTN):c.19601_19602del (p.Arg6534fs)

Gene: TTN (titin; minus strand). Cytogenetic location: 2q31.2.
Variant type: Microsatellite.
Coding change: c.19601_19602del on transcript NM_001267550.2 (MANE Select); coding-DNA positions 19601 to 19602, 2 bases deleted (GA; older notation c.19601_19602delGA).
Protein change: p.Arg6534fs; shifts the reading frame from arginine 6534.
Molecular consequence: frameshift variant. On other transcripts: intron variant (3).
Genome position (GRCh38, 1-based): chr2:178,728,222-178,728,223, TC deleted on the plus strand (GA on the coding strand, the reverse complement: TTN is on the minus strand); deleting any 2 consecutive bases within chr2:178,728,222-178,728,227 gives the same sequence; the c. name uses the placement nearest the transcript's 3' end. VCF-style (leftmost placement, unchanged base first): chr2-178728221-ATC-A. GRCh37 (hg19) VCF-style: chr2-179592948-ATC-A.
Other names: c.18650_18651del, p.Arg6217fs (NM_001256850.1); c.15869_15870del, p.Arg5290fs (NM_133378.4); c.13282+9855GA[2] (NM_003319.4); c.13858+9855GA[2] (NM_133437.4); c.13657+9855GA[2] (NM_133432.3); c.18650_18651delGA (NM_001256850.1); short protein forms R6217fs, R6534fs, R5290fs.
Identifiers: ClinVar variation 423358 (VCV000423358.7), dbSNP rs1064796380, ClinGen allele CA16617380.

ClinVar aggregate classification (germline): Conflicting classifications of pathogenicity. Review status: criteria provided, conflicting classifications (1 of 4 stars). 2 submissions from 2 submitters: Likely pathogenic (1); Uncertain significance (1). Last evaluated 2025-11-17.

Conditions:
Dilated cardiomyopathy 1G (CMD1G). Identifiers: Orphanet 154, MedGen C1858763, MONDO:0011400, OMIM 604145.
Autosomal recessive limb-girdle muscular dystrophy type 2J (LGMDR10). Also called: MUSCULAR DYSTROPHY, LIMB-GIRDLE, AUTOSOMAL RECESSIVE 10; Limb-girdle muscular dystrophy, type 2J. Identifiers: Orphanet 140922, MedGen C1837342, MONDO:0012127, OMIM 608807.

Submissions (2):

Labcorp Genetics (formerly Invitae), Labcorp
Classification: Likely pathogenic for Dilated cardiomyopathy 1G; Autosomal recessive limb-girdle muscular dystrophy type 2J. Last evaluated: 2025-11-17. Review status: criteria provided, single submitter. Criteria: Invitae Variant Classification Sherloc (09022015). Collection method: clinical testing. Allele origin: germline.
Comment: This sequence change creates a premature translational stop signal (p.Arg6534Ilefs*7) in the TTN gene. While this is not anticipated to result in nonsense mediated decay, it is expected to create a truncated TTN protein. This variant is not present in population databases (gnomAD no frequency). This variant has not been reported in the literature in individuals affected with TTN-related conditions. ClinVar contains an entry for this variant (Variation ID: 423358). Algorithms developed to predict the effect of sequence changes on RNA splicing suggest that this variant may disrupt the consensus splice site. This variant is located in the I band of TTN (PMID: 25589632). Truncating variants in this region have been reported in individuals affected with autosomal recessive centronuclear myopathy (PMID: 23975875, internal data). Truncating variants in this region have also been identified in individuals affected with autosomal dominant dilated cardiomyopathy and/or cardio-related conditions (PMID: 27869827, 32964742, internal data). In summary, the currently available evidence indicates that the variant is pathogenic, but additional data are needed to prove that conclusively. Therefore, this variant has been classified as Likely Pathogenic.

GeneDx
Classification: Uncertain significance. Last evaluated: 2022-12-06. Review status: criteria provided, single submitter. Criteria: GeneDx Variant Classification Process June 2021. Collection method: clinical testing. Allele origin: germline. Affected: yes.
Comment: Not observed at significant frequency in large population cohorts (gnomAD); Frameshift variant predicted to result in protein truncation or nonsense mediated decay in a gene or region of a gene for which loss of function is not a well-established mechanism of disease; Has not been previously published as pathogenic or benign to our knowledge

Literature cited by the submitters: PubMed 25589632 (cited by Labcorp Genetics (formerly Invitae), Labcorp); PubMed 23975875 (cited by Labcorp Genetics (formerly Invitae), Labcorp); PubMed 27869827 (cited by Labcorp Genetics (formerly Invitae), Labcorp); PubMed 32964742 (cited by Labcorp Genetics (formerly Invitae), Labcorp).